The following is an entry in ClinVar:

ClinVar aggregate classification (germline): Pathogenic (1 of 4 stars; one submission).

Conditions:
Pyridoxine-dependent epilepsy (EPEO4). Also called: PYRIDOXINE DEPENDENCY WITH SEIZURES; Pyridoxine-Dependent Seizures; EPILEPSY, EARLY-ONSET, 4, VITAMIN B6-DEPENDENT; Pyridoxine-Dependent Epilepsy - ALDH7A1. Identifiers: Orphanet 3006, MedGen C1849508, MONDO:0009945, OMIM 266100. Disease mechanism: loss of function.

Submission:

Labcorp Genetics (formerly Invitae), Labcorp
Classification: Pathogenic for Pyridoxine-dependent epilepsy. Last evaluated: 2023-01-20. Review status: criteria provided, single submitter. Criteria: Invitae Variant Classification Sherloc (09022015). Collection method: clinical testing. Allele origin: germline.
Comment: This sequence change replaces valine, which is neutral and non-polar, with glycine, which is neutral and non-polar, at codon 80 of the ALDH7A1 protein (p.Val80Gly). This variant is not present in population databases (gnomAD no frequency). This missense change has been observed in individual(s) with pyridoxine-dependent epilepsy (PMID: 29547829). Advanced modeling of protein sequence and biophysical properties (such as structural, functional, and spatial information, amino acid conservation, physicochemical variation, residue mobility, and thermodynamic stability) performed at Invitae indicates that this missense variant is expected to disrupt ALDH7A1 protein function. For these reasons, this variant has been classified as Pathogenic.

Literature cited by the submitters: PubMed 29547829.

NM_001182.5(ALDH7A1):c.239T>G (p.Val80Gly)

Gene: ALDH7A1 (aldehyde dehydrogenase 7 family member A1; minus strand). Cytogenetic location: 5q23.2.
Variant type: single nucleotide variant.
Coding change: c.239T>G on transcript NM_001182.5 (MANE Select); coding-DNA position 239, T replaced by G.
Protein change: p.Val80Gly; replaces valine 80 with glycine.
Molecular consequence: missense variant.
Genome position (GRCh38, 1-based): chr5:126,593,358, A>C on the plus strand (T>G on the coding strand, the complement: ALDH7A1 is on the minus strand). VCF-style: chr5-126593358-A-C. GRCh37 (hg19) VCF-style: chr5-125929050-A-C.
Other names: c.155T>G, p.Val52Gly (NM_001201377.2); c.239T>G, p.Val80Gly (NM_001202404.2); short protein forms V52G, V80G.
Identifiers: ClinVar variation 2910193 (VCV002910193.3), dbSNP rs2480366466, ClinGen allele CA360733235.